The following is an entry in ClinVar:

ClinVar aggregate classification (germline): Benign. Review status: criteria provided, multiple submitters, no conflicts (2 of 4 stars). 5 submissions from 4 submitters: Benign (5). Last evaluated 2022-03-15.

Conditions:
Fibromuscular dysplasia, multifocal. Identifiers: MedGen C5543412, MONDO:0859151, OMIM 619329.
Ehlers-Danlos syndrome, classic type, 1 (EDSCL1). Also called: Ehlers-Danlos Syndrome, Classic Type, COL5A1-Related; EHLERS-DANLOS SYNDROME, GRAVIS TYPE; EHLERS-DANLOS SYNDROME, SEVERE CLASSIC TYPE; Ehlers-Danlos syndrome, type 1; EDS I. Identifiers: MedGen C0268335, MONDO:0019567, OMIM 130000.

Allele frequency attached by ClinVar (database versions not stated): ESP Exome Variant Server 0.15080; gnomAD exomes 0.25290 and 0.28903; 1000 Genomes Project 30x 0.25203; ExAC 0.25798; TOPMed 0.27100; gnomAD 0.27505 and 0.27395; 1000 Genomes Project 0.25519.
gnomAD v4.1: 375,445 of 1,307,150 alleles (29%); highest among the groups gnomAD compares: East Asian, 38%; 54,072 homozygotes.

Submissions (5):

Genome-Nilou Lab
Classification: Benign for Ehlers-Danlos syndrome, classic type, 1. Last evaluated: 2022-03-15. Review status: criteria provided, single submitter. Criteria: ACMG Guidelines, 2015. Collection method: clinical testing. Allele origin: germline. Affected: no.

Genome-Nilou Lab
Classification: Benign for Fibromuscular dysplasia, multifocal. Last evaluated: 2022-03-15. Review status: criteria provided, single submitter. Criteria: ACMG Guidelines, 2015. Collection method: clinical testing. Allele origin: germline. Affected: no.

GeneDx
Classification: Benign. Last evaluated: 2018-06-18. Review status: criteria provided, single submitter. Criteria: GeneDx Variant Classification (06012015). Collection method: clinical testing. Allele origin: germline. Affected: yes.
Comment: This variant is considered likely benign or benign based on one or more of the following criteria: it is a conservative change, it occurs at a poorly conserved position in the protein, it is predicted to be benign by multiple in silico algorithms, and/or has population frequency not consistent with disease.

Breakthrough Genomics
Classification: Benign. Review status: criteria provided, single submitter. Criteria: ACMG Guidelines, 2015. Collection method: not provided. Allele origin: germline. Inheritance: Autosomal dominant inheritance. Affected: yes.

PreventionGenetics, part of Exact Sciences
Classification: Benign. Review status: criteria provided, single submitter. Criteria: ACMG Guidelines, 2015. Collection method: clinical testing. Allele origin: germline.

NM_000093.5(COL5A1):c.1720-48T>C

Gene: COL5A1 (collagen type V alpha 1 chain; plus strand). Cytogenetic location: 9q34.3.
Variant type: single nucleotide variant.
Coding change: c.1720-48T>C on transcript NM_000093.5 (MANE Select); 48 bases into the intron before coding-DNA position 1720, T replaced by C.
Molecular consequence: intron variant.
Genome position (GRCh38, 1-based): chr9:134,753,802, T>C. VCF-style: chr9-134753802-T-C. GRCh37 (hg19) VCF-style: chr9-137645648-T-C.
Other names: c.1720-48T>C (NM_001278074.1).
Identifiers: ClinVar variation 255056 (VCV000255056.4), dbSNP rs10123014, ClinGen allele CA5318924.
Genomic context (GRCh38, chr9:134,753,802, plus strand): 5'-GCCGAAGCCCTGTCCCCTCCCCCTGCCCCTCCCCTGCCACCCCCAGCCCTTCCTGTGTTC[T>C]CGAGTCCCCACCTCGAGCAGACATTAACACACACCATGTCTCCCTAGGGTCCCCCTGGGA-3'